The following is an entry in ClinVar:

ClinVar aggregate classification (germline): Uncertain significance (1 of 4 stars; one submission).

Submission:

Labcorp Genetics (formerly Invitae), Labcorp
Classification: Uncertain significance. Last evaluated: 2025-01-24. Review status: criteria provided, single submitter. Criteria: Invitae Variant Classification Sherloc (09022015). Collection method: clinical testing. Allele origin: germline.
Comment: This sequence change affects codon 52 of the KLHL9 mRNA. It is a 'silent' change, meaning that it does not change the encoded amino acid sequence of the KLHL9 protein. This variant is not present in population databases (gnomAD no frequency). This variant has not been reported in the literature in individuals affected with KLHL9-related conditions. In summary, the available evidence is currently insufficient to determine the role of this variant in disease. Therefore, it has been classified as a Variant of Uncertain Significance.

NM_018847.4(KLHL9):c.156G>A (p.Val52=)

Gene: KLHL9 (kelch like family member 9; minus strand). Cytogenetic location: 9p21.3.
Variant type: single nucleotide variant.
Coding change: c.156G>A on transcript NM_018847.4 (MANE Select); coding-DNA position 156, G replaced by A.
Protein change: p.Val52=; no amino-acid change (valine 52 retained).
Molecular consequence: synonymous variant.
Genome position (GRCh38, 1-based): chr9:21,334,704, C>T on the plus strand (G>A on the coding strand, the complement: KLHL9 is on the minus strand). VCF-style: chr9-21334704-C-T. GRCh37 (hg19) VCF-style: chr9-21334703-C-T.
Identifiers: ClinVar variation 3625765 (VCV003625765.2).